The following is an entry in ClinVar:

NM_001379110.1(SLC9A6):c.-45G>A

Gene: SLC9A6 (solute carrier family 9 member A6; plus strand). Cytogenetic location: Xq26.3.
Variant type: single nucleotide variant.
Coding change: c.-45G>A on transcript NM_001379110.1 (MANE Select); 45 bases upstream of the start codon, G replaced by A.
Molecular consequence: 5 prime UTR variant. On other transcripts: missense variant (2), intron variant (1).
Genome position (GRCh38, 1-based): chrX:135,985,614, G>A. VCF-style: chrX-135985614-G-A. GRCh37 (hg19) VCF-style: chrX-135067773-G-A.
Other names: c.112G>A, p.Asp38Asn (NM_001042537.2, NM_006359.3); c.-45G>A (NM_001177651.2, NM_001330652.2, NM_001400910.1 and 3 more transcripts); c.-35-10G>A (NM_001400909.1); short protein forms D38N.
Identifiers: ClinVar variation 3629109 (VCV003629109.2).

ClinVar aggregate classification (germline): Uncertain significance (1 of 4 stars; one submission).

Conditions:
Christianson syndrome (MRXSCH). Also called: X-linked mental retardation, syndromic, Christianson type; SLC9A6-Related Syndromic Mental Retardation; INTELLECTUAL DEVELOPMENTAL DISORDER, X-LINKED, SYNDROMIC, CHRISTIANSON TYPE. Identifiers: Orphanet 85278, MedGen C2678194, MONDO:0010278, OMIM 300243.

Submission:

Labcorp Genetics (formerly Invitae), Labcorp
Classification: Uncertain significance for Christianson syndrome. Last evaluated: 2024-02-02. Review status: criteria provided, single submitter. Criteria: Invitae Variant Classification Sherloc (09022015). Collection method: clinical testing. Allele origin: germline.
Comment: This sequence change replaces aspartic acid, which is acidic and polar, with asparagine, which is neutral and polar, at codon 38 of the SLC9A6 protein (p.Asp38Asn). This variant is not present in population databases (gnomAD no frequency). This variant has not been reported in the literature in individuals affected with SLC9A6-related conditions. An algorithm developed to predict the effect of missense changes on protein structure and function (PolyPhen-2) suggests that this variant is likely to be tolerated. In summary, the available evidence is currently insufficient to determine the role of this variant in disease. Therefore, it has been classified as a Variant of Uncertain Significance.